The following is an entry in ClinVar:

NM_001387430.1(SH2B1):c.1309+10_1309+12del

Gene: SH2B1 (SH2B adaptor protein 1; plus strand). Cytogenetic location: 16p11.2.
Variant type: Deletion.
Coding change: c.1309+10_1309+12del on transcript NM_001387430.1 (MANE Select); bases 10 to 12 of the intron after coding-DNA position 1309, 3 bases deleted (GAG; older notation c.1309+10_1309+12delGAG).
Molecular consequence: intron variant.
Genome position (GRCh38, 1-based): chr16:28,869,393-28,869,395, GAG deleted; deleting any 3 consecutive bases within chr16:28,869,392-28,869,395 gives the same sequence; the c. name uses the placement nearest the transcript's 3' end. VCF-style (leftmost placement, unchanged base first): chr16-28869391-TGGA-T. GRCh37 (hg19) VCF-style: chr16-28880712-TGGA-T.
Other names: c.1309+10_1309+12del (NM_001308293.2, NM_001387404.1, NM_015503.3 and 4 more transcripts); c.301+10_301+12del (NM_001308294.2).
Identifiers: ClinVar variation 3356055 (VCV003356055.1).

ClinVar aggregate classification (germline): Likely benign (0 of 4 stars; one submission).

Conditions:
SH2B1-related disorder. Also called: SH2B1-related condition.

Submission:

PreventionGenetics, part of Exact Sciences
Classification: Likely benign for SH2B1-related condition. Last evaluated: 2023-07-11. Review status: no assertion criteria provided. Collection method: clinical testing. Allele origin: germline.
Comment: This variant is classified as likely benign based on ACMG/AMP sequence variant interpretation guidelines (Richards et al. 2015 PMID: 25741868, with internal and published modifications).